The following is an entry in ClinVar:

NM_013436.5(NCKAP1):c.3161_3164del (p.Arg1054fs)

Gene: NCKAP1 (NCK associated protein 1; minus strand). Cytogenetic location: 2q32.1.
Variant type: Deletion.
Coding change: c.3161_3164del on transcript NM_013436.5 (MANE Select); coding-DNA positions 3161 to 3164, 4 bases deleted (GTCT; older notation c.3161_3164delGTCT).
Protein change: p.Arg1054fs; shifts the reading frame from arginine 1054.
Molecular consequence: frameshift variant.
Genome position (GRCh38, 1-based): chr2:182,928,133-182,928,136, AGAC deleted on the plus strand (GTCT on the coding strand, the reverse complement: NCKAP1 is on the minus strand). VCF-style (leftmost placement, unchanged base first): chr2-182928132-AAGAC-A. GRCh37 (hg19) VCF-style: chr2-183792860-AAGAC-A.
Other names: c.3155_3158del, p.Arg1052fs (NM_001437266.1); c.3173_3176del, p.Arg1058fs (NM_001437267.1); c.3179_3182del, p.Arg1060fs (NM_205842.3); short protein forms R1052fs, R1054fs, R1058fs, R1060fs.
Identifiers: ClinVar variation 5042005 (VCV005042005.1).

ClinVar aggregate classification (germline): Pathogenic (1 of 4 stars; one submission).

Conditions:
Complex neurodevelopmental disorder. Identifiers: Orphanet 528084, MedGen C5568766, MONDO:0100038.

Submission:

Clinical Genetics Laboratory, University Hospital Schleswig-Holstein
Classification: Pathogenic for Complex neurodevelopmental disorder. Last evaluated: 2025-01-20. Review status: criteria provided, single submitter. Criteria: ACMG Guidelines, 2015. Collection method: clinical testing. Allele origin: de novo. Affected: yes.
Comment: ACMG criteria applied: PM2, PVS1, PS2_Supporting

Literature cited by the submitters: ClinGen Curation ID: 007524.